The following is an entry in ClinVar:

NM_003839.4(TNFRSF11A):c.47T>G (p.Leu16Arg)

Genes: TNFRSF11A (TNF receptor superfamily member 11a; plus strand), LOC130062628 (ATAC-STARR-seq lymphoblastoid silent region 9505; plus strand). Cytogenetic location: 18q21.33.
Variant type: single nucleotide variant.
Coding change: c.47T>G on transcript NM_003839.4 (MANE Select); coding-DNA position 47, T replaced by G.
Protein change: p.Leu16Arg; replaces leucine 16 with arginine.
Molecular consequence: missense variant.
Genome position (GRCh38, 1-based): chr18:62,325,399, T>G. VCF-style: chr18-62325399-T-G. GRCh37 (hg19) VCF-style: chr18-59992632-T-G.
Other names: c.47T>G, p.Leu16Arg (NM_001270949.2, NM_001270950.2, NM_001270951.2 and 1 more transcripts); short protein forms L16R.
Identifiers: ClinVar variation 3617719 (VCV003617719.3).
Genomic context (GRCh38, chr18:62,325,399, plus strand): 5'-GCCTGTCCCGCGCCATGGCCCCGCGCGCCCGGCGGCGCCGCCCGCTGTTCGCGCTGCTGC[T>G]GCTCTGCGCGCTGCTCGCCCGGCTGCAGGTAAGGAGCGCCCGCGCCTGCCGGGCCGCGCG-3'
Protein context (NP_003830.1, residues 6-26): RRRRPLFALL[Leu16Arg]LCALLARLQV

ClinVar aggregate classification (germline): Uncertain significance. Review status: criteria provided, multiple submitters, no conflicts (2 of 4 stars). 2 submissions from 2 submitters: Uncertain significance (2). Last evaluated 2026-05-06.

Conditions:
Inborn genetic diseases. Identifiers: MedGen C0950123, MeSH D030342.

gnomAD v4.1: 3 of 1,201,948 alleles (0.00025%); highest among the groups gnomAD compares: Admixed American, 0.0037%; no homozygotes.

Submissions (2):

Ambry Genetics
Classification: Uncertain significance for Inborn genetic diseases. Last evaluated: 2026-05-06. Review status: criteria provided, single submitter. Criteria: Ambry Variant Classification Scheme 2023. Collection method: clinical testing. Allele origin: germline.

Labcorp Genetics (formerly Invitae), Labcorp
Classification: Uncertain significance. Last evaluated: 2025-01-08. Review status: criteria provided, single submitter. Criteria: Invitae Variant Classification Sherloc (09022015). Collection method: clinical testing. Allele origin: germline.
Comment: This sequence change replaces leucine, which is neutral and non-polar, with arginine, which is basic and polar, at codon 16 of the TNFRSF11A protein (p.Leu16Arg). This variant is not present in population databases (gnomAD no frequency). This variant has not been reported in the literature in individuals affected with TNFRSF11A-related conditions. Experimental studies and prediction algorithms are not available or were not evaluated, and the functional significance of this variant is currently unknown. In summary, the available evidence is currently insufficient to determine the role of this variant in disease. Therefore, it has been classified as a Variant of Uncertain Significance.